The following is an entry in ClinVar:

ClinVar aggregate classification (germline): Likely benign. Review status: criteria provided, single submitter (1 of 4 stars). 2 submissions from 2 submitters: Likely benign (1). 1 of the submissions does not count toward it. Last evaluated 2023-03-21.

Conditions:
PLXNA1-related disorder. Also called: PLXNA1-related condition.

Allele frequency attached by ClinVar (database versions not stated): ExAC 0.00004; TOPMed 0.00005; gnomAD 0.00007; ESP Exome Variant Server 0.00015; 1000 Genomes Project 30x 0.00016; 1000 Genomes Project 0.00020.
gnomAD v4.1: 182 of 1,612,744 alleles (0.011%); highest among the groups gnomAD compares: Non-Finnish European, 0.015%; no homozygotes.

Submissions (2):

Labcorp Genetics (formerly Invitae), Labcorp
Classification: Likely benign. Last evaluated: 2023-03-21. Review status: criteria provided, single submitter. Criteria: Invitae Variant Classification Sherloc (09022015). Collection method: clinical testing. Allele origin: germline.

PreventionGenetics, part of Exact Sciences
Classification: Likely benign for PLXNA1-related condition. Last evaluated: 2021-12-09. Review status: no assertion criteria provided. Collection method: clinical testing. Allele origin: germline. Not counted in ClinVar's aggregate classification.
Comment: This variant is classified as likely benign based on ACMG/AMP sequence variant interpretation guidelines (Richards et al. 2015 PMID: 25741868, with internal and published modifications).

NM_032242.4(PLXNA1):c.3843G>C (p.Leu1281=)

Gene: PLXNA1 (plexin A1; plus strand). Cytogenetic location: 3q21.3.
Variant type: single nucleotide variant.
Coding change: c.3843G>C on transcript NM_032242.4 (MANE Select); coding-DNA position 3843, G replaced by C.
Protein change: p.Leu1281=; no amino-acid change (leucine 1281 retained).
Molecular consequence: synonymous variant.
Genome position (GRCh38, 1-based): chr3:127,018,476, G>C. VCF-style: chr3-127018476-G-C. GRCh37 (hg19) VCF-style: chr3-126737319-G-C.
Other names: c.3843G>C (NM_032242.3).
Identifiers: ClinVar variation 3013210 (VCV003013210.5), dbSNP rs114539793, ClinGen allele CA2594160.
Genomic context (GRCh38, chr3:127,018,476, plus strand): 5'-GGCTGTGCTCATCGCCTACAAGCGCAAGTCACGAGATGCTGACCGCACACTCAAGCGGCT[G>C]CAGCTCCAGATGGACAACCTGGAGTCCCGCGTGGCCCTCGAATGCAAGGAAGGTCTGTTG-3'
Protein context (NP_115618.3, residues 1271-1291): SRDADRTLKR[Leu1281=]QLQMDNLESR